The following is an entry in ClinVar:

ClinVar aggregate classification (germline): Benign (0 of 4 stars; one submission).

Conditions:
TRPA1-related disorder. Also called: TRPA1-related condition.

Allele frequency attached by ClinVar (database versions not stated): gnomAD exomes 0.12220; ExAC 0.14434; gnomAD 0.16217; TOPMed 0.16329; ESP Exome Variant Server 0.16615; 1000 Genomes Project 0.19988; 1000 Genomes Project 30x 0.20050.
gnomAD v4.1: 203,483 of 1,612,456 alleles (13%); highest among the groups gnomAD compares: East Asian, 31%; 15,076 homozygotes.

Submission:

PreventionGenetics, part of Exact Sciences
Classification: Benign for TRPA1-related condition. Last evaluated: 2019-11-19. Review status: no assertion criteria provided. Collection method: clinical testing. Allele origin: germline.
Comment: This variant is classified as benign based on ACMG/AMP sequence variant interpretation guidelines (Richards et al. 2015 PMID: 25741868, with internal and published modifications).

NM_007332.3(TRPA1):c.535G>A (p.Glu179Lys)

Gene: TRPA1 (transient receptor potential cation channel subfamily A member 1; minus strand). Cytogenetic location: 8q21.11.
Variant type: single nucleotide variant.
Coding change: c.535G>A on transcript NM_007332.3 (MANE Select); coding-DNA position 535, G replaced by A.
Protein change: p.Glu179Lys; replaces glutamic acid 179 with lysine.
Molecular consequence: missense variant.
Genome position (GRCh38, 1-based): chr8:72,065,468, C>T on the plus strand (G>A on the coding strand, the complement: TRPA1 is on the minus strand). VCF-style: chr8-72065468-C-T. GRCh37 (hg19) VCF-style: chr8-72977703-C-T.
Other names: short protein forms E179K.
Identifiers: ClinVar variation 3060717 (VCV003060717.2), dbSNP rs920829, ClinGen allele CA4781195.